The following is an entry in ClinVar:

NM_001267550.2(TTN):c.80082_80086del (p.Val26695fs)

Genes: TTN-AS1 (TTN antisense RNA 1; plus strand), TTN (titin; minus strand). Cytogenetic location: 2q31.2.
Variant type: Deletion.
Coding change: c.80082_80086del on transcript NM_001267550.2 (MANE Select); coding-DNA positions 80082 to 80086, 5 bases deleted (AGTGA; older notation c.80082_80086delAGTGA).
Protein change: p.Val26695fs; shifts the reading frame from valine 26695.
Molecular consequence: frameshift variant.
Genome position (GRCh38, 1-based): chr2:178,566,046-178,566,050, TCACT deleted on the plus strand (AGTGA on the coding strand, the reverse complement: TTN is on the minus strand); deleting any 5 consecutive bases within chr2:178,566,046-178,566,052 gives the same sequence; the c. name uses the placement nearest the transcript's 3' end. VCF-style (leftmost placement, unchanged base first): chr2-178566045-CTCACT-C. GRCh37 (hg19) VCF-style: chr2-179430772-CTCACT-C.
Other names: c.75159_75163del, p.Val25054fs (NM_001256850.1); c.52887_52891del, p.Val17630fs (NM_003319.4); c.72378_72382del, p.Val24127fs (NM_133378.4); c.53262_53266del, p.Val17755fs (NM_133432.3); c.53463_53467del, p.Val17822fs (NM_133437.4); short protein forms V24127fs, V17755fs, V26695fs, V25054fs, V17630fs, V17822fs.
Identifiers: ClinVar variation 1485618 (VCV001485618.8), dbSNP rs2154165293, ClinGen allele CA2573134171.
Genomic context (GRCh38, chr2:178,566,045, plus strand): 5'-TTGACCTTTGCCCCTCCATCAATGATGGGTGGCTCCCATACCAGGAAGGCAGAATCTTTT[CTCACT>C]TCTTTGACTGCCAAATTCTGTGGTGGTCCTGGAGTGTCAAGAACTTTCACAGTTACAAAA-3'

ClinVar aggregate classification (germline): Likely pathogenic (1 of 4 stars; one submission).

Conditions:
Dilated cardiomyopathy 1G (CMD1G). Identifiers: Orphanet 154, MedGen C1858763, MONDO:0011400, OMIM 604145.
Autosomal recessive limb-girdle muscular dystrophy type 2J (LGMDR10). Also called: Limb-girdle muscular dystrophy, type 2J; MUSCULAR DYSTROPHY, LIMB-GIRDLE, AUTOSOMAL RECESSIVE 10. Identifiers: Orphanet 140922, MedGen C1837342, MONDO:0012127, OMIM 608807.

Submission:

Labcorp Genetics (formerly Invitae), Labcorp
Classification: Likely pathogenic for Dilated cardiomyopathy 1G; Autosomal recessive limb-girdle muscular dystrophy type 2J. Last evaluated: 2021-05-08. Review status: criteria provided, single submitter. Criteria: Invitae Variant Classification Sherloc (09022015). Collection method: clinical testing. Allele origin: germline.
Comment: This sequence change creates a premature translational stop signal (p.Val26695Lysfs*14) in the TTN gene. While this is not anticipated to result in nonsense mediated decay, it is expected to create a truncated TTN protein. This variant is not present in population databases (ExAC no frequency). This variant has not been reported in the literature in individuals with TTN-related conditions. This variant is located in the A band of TTN (PMID: 25589632). Truncating variants in this region are significantly overrepresented in patients affected with dilated cardiomyopathy (PMID: 25589632). Truncating variants in this region have also been reported in individuals affected with autosomal recessive centronuclear myopathy (PMID: 23975875). In summary, the currently available evidence indicates that the variant is pathogenic, but additional data are needed to prove that conclusively. Therefore, this variant has been classified as Likely Pathogenic.

Literature cited by the submitters: PubMed 25589632; PubMed 23975875.